The following is an entry in ClinVar:

NM_006218.4(PIK3CA):c.2312T>C (p.Ile771Thr)

Gene: PIK3CA (phosphatidylinositol-4,5-bisphosphate 3-kinase catalytic subunit alpha; plus strand). Cytogenetic location: 3q26.32.
Variant type: single nucleotide variant.
Coding change: c.2312T>C on transcript NM_006218.4 (MANE Select); coding-DNA position 2312, T replaced by C.
Protein change: p.Ile771Thr; replaces isoleucine 771 with threonine.
Molecular consequence: missense variant.
Genome position (GRCh38, 1-based): chr3:179,224,717, T>C. VCF-style: chr3-179224717-T-C. GRCh37 (hg19) VCF-style: chr3-178942505-T-C.
Other names: short protein forms I771T.
Identifiers: ClinVar variation 4861865 (VCV004861865.1).
Genomic context (GRCh38, chr3:179,224,717, plus strand): 5'-AATAAAGCAAAGGTACCTAGTAAAGTTTTTAACTATTTTAAAGGCTTGAAGAGTGTCGAA[T>C]TATGTCCTCTGCAAAAAGGCCACTGTGGTTGAATTGGGAGAACCCAGACATCATGTCAGA-3'
Protein context (NP_006209.2, residues 761-781): LGNLRLEECR[Ile771Thr]MSSAKRPLWL

ClinVar aggregate classification (germline): Uncertain significance (1 of 4 stars; one submission).

Conditions:
Inborn genetic diseases. Identifiers: MedGen C0950123, MeSH D030342.

Submission:

Ambry Genetics
Classification: Uncertain significance for Inborn genetic diseases. Last evaluated: 2026-03-18. Review status: criteria provided, single submitter. Criteria: Ambry Variant Classification Scheme 2023. Collection method: clinical testing. Allele origin: germline.
Comment: The p.I771T variant (also known as c.2312T>C), located in coding exon 15 of the PIK3CA gene, results from a T to C substitution at nucleotide position 2312. The isoleucine at codon 771 is replaced by threonine, an amino acid with similar properties. This amino acid position is conserved. In addition, the in silico prediction for this alteration is inconclusive. Based on the available evidence, the clinical significance of this variant remains unclear.